The following is an entry in ClinVar:

ClinVar aggregate classification (germline): Uncertain significance (1 of 4 stars; one submission).

Submission:

GeneDx
Classification: Uncertain significance. Last evaluated: 2024-12-10. Review status: criteria provided, single submitter. Criteria: GeneDx Variant Classification Process June 2021. Collection method: clinical testing. Allele origin: germline. Affected: yes.
Comment: Not observed at significant frequency in large population cohorts (gnomAD); In silico analysis supports that this missense variant has a deleterious effect on protein structure/function; Has not been previously published as pathogenic or benign to our knowledge

NM_003660.4(PPFIA3):c.169C>A (p.Gln57Lys)

Genes: PPFIA3 (PTPRF interacting protein alpha 3; plus strand), LOC130064903 (ATAC-STARR-seq lymphoblastoid silent region 10914; plus strand). Cytogenetic location: 19q13.33.
Variant type: single nucleotide variant.
Coding change: c.169C>A on transcript NM_003660.4 (MANE Select); coding-DNA position 169, C replaced by A.
Protein change: p.Gln57Lys; replaces glutamine 57 with lysine.
Molecular consequence: missense variant. On other transcripts: non-coding transcript variant (1).
Genome position (GRCh38, 1-based): chr19:49,128,042, C>A. VCF-style: chr19-49128042-C-A. GRCh37 (hg19) VCF-style: chr19-49631299-C-A.
Other names: short protein forms Q57K.
Identifiers: ClinVar variation 3902930 (VCV003902930.1).